The following is an entry in ClinVar:

NM_002778.4(PSAP):c.227T>A (p.Met76Lys)

Gene: PSAP (prosaposin; minus strand). Cytogenetic location: 10q22.1.
Variant type: single nucleotide variant.
Coding change: c.227T>A on transcript NM_002778.4 (MANE Select); coding-DNA position 227, T replaced by A.
Protein change: p.Met76Lys; replaces methionine 76 with lysine.
Molecular consequence: missense variant.
Genome position (GRCh38, 1-based): chr10:71,831,868, A>T on the plus strand (T>A on the coding strand, the complement: PSAP is on the minus strand). VCF-style: chr10-71831868-A-T. GRCh37 (hg19) VCF-style: chr10-73591625-A-T.
Other names: c.227T>A, p.Met76Lys (NM_001042465.3, NM_001042466.3); short protein forms M76K.
Identifiers: ClinVar variation 300529 (VCV000300529.8), dbSNP rs377024801, ClinGen allele CA5547842.

ClinVar aggregate classification (germline): Conflicting classifications of pathogenicity. Review status: criteria provided, conflicting classifications (1 of 4 stars). 6 submissions from 3 submitters: Uncertain significance (5); Likely benign (1). Last evaluated 2021-10-13.

Conditions:
Krabbe disease due to saposin A deficiency. Also called: KRABBE DISEASE, ATYPICAL, DUE TO SAPOSIN A DEFICIENCY; Saposin A Deficiency. Identifiers: Orphanet 487, MedGen C2673266, MONDO:0012720, OMIM 611722.
Combined PSAP deficiency (PSAPD). Also called: Encephalopathy due to prosaposin deficiency; COMBINED SAP DEFICIENCY; PROSAPOSIN DEFICIENCY. Identifiers: Orphanet 139406, MedGen C2673635, MONDO:0012719, OMIM 611721.
Gaucher disease due to saposin C deficiency. Also called: Saposin C Deficiency; Atypical Gaucher disease due to saposin C deficiency. Identifiers: Orphanet 309252, Orphanet 355, MedGen C1864651, MONDO:0012517, OMIM 610539.
Sphingolipid activator protein 1 deficiency. Also called: Saposin B Deficiency; METACHROMATIC LEUKODYSTROPHY DUE TO CEREBROSIDE SULFATASE ACTIVATOR DEFICIENCY; Metachromatic leukodystrophy due to saposin B deficiency. Identifiers: Orphanet 512, MedGen C0268262, MONDO:0009590, OMIM 249900.

Allele frequency attached by ClinVar (database versions not stated): gnomAD 0.00006.
gnomAD v4.1: 18 of 1,613,958 alleles (0.0011%); highest among the groups gnomAD compares: Non-Finnish European, 0.00025%; no homozygotes.

Submissions (6):

Labcorp Genetics (formerly Invitae), Labcorp
Classification: Uncertain significance for Sphingolipid activator protein 1 deficiency. Last evaluated: 2021-10-13. Review status: criteria provided, single submitter. Criteria: Invitae Variant Classification Sherloc (09022015). Collection method: clinical testing. Allele origin: germline.
Comment: This sequence change replaces methionine with lysine at codon 76 of the PSAP protein (p.Met76Lys). The methionine residue is weakly conserved and there is a moderate physicochemical difference between methionine and lysine. This variant is present in population databases (rs377024801, ExAC 0.03%). This variant has not been reported in the literature in individuals affected with PSAP-related conditions. ClinVar contains an entry for this variant (Variation ID: 300529). Algorithms developed to predict the effect of missense changes on protein structure and function are either unavailable or do not agree on the potential impact of this missense change (SIFT: "Not Available"; PolyPhen-2: "Benign"; Align-GVGD: "Not Available"). In summary, the available evidence is currently insufficient to determine the role of this variant in disease. Therefore, it has been classified as a Variant of Uncertain Significance.

Blueprint Genetics
Classification: Uncertain significance. Last evaluated: 2021-09-17. Review status: criteria provided, single submitter. Criteria: ACMG Guidelines, 2015. Collection method: clinical testing. Allele origin: germline.

Illumina Laboratory Services, Illumina
Classification: Uncertain significance for Krabbe disease due to saposin A deficiency. Last evaluated: 2018-01-13. Review status: criteria provided, single submitter. Criteria: ICSL Variant Classification Criteria 13 December 2019. Collection method: clinical testing. Allele origin: germline.

Illumina Laboratory Services, Illumina
Classification: Uncertain significance for Combined PSAP deficiency. Last evaluated: 2018-01-13. Review status: criteria provided, single submitter. Criteria: ICSL Variant Classification Criteria 13 December 2019. Collection method: clinical testing. Allele origin: germline.

Illumina Laboratory Services, Illumina
Classification: Uncertain significance for Sphingolipid activator protein 1 deficiency. Last evaluated: 2018-01-13. Review status: criteria provided, single submitter. Criteria: ICSL Variant Classification Criteria 13 December 2019. Collection method: clinical testing. Allele origin: germline.

Illumina Laboratory Services, Illumina
Classification: Likely benign for Gaucher disease due to saposin C deficiency. Last evaluated: 2018-01-13. Review status: criteria provided, single submitter. Criteria: ICSL Variant Classification Criteria 13 December 2019. Collection method: clinical testing. Allele origin: germline.
Comment: This variant was observed in the ICSL laboratory as part of a predisposition screen in an ostensibly healthy population. It had not been previously curated by ICSL or reported in the Human Gene Mutation Database (HGMD: prior to June 1st, 2018), and was therefore a candidate for classification through an automated scoring system. Utilizing variant allele frequency, disease prevalence and penetrance estimates, and inheritance mode, an automated score was calculated to assess if this variant is too frequent to cause the disease. Based on the score and internal cut-off values, a variant classified as likely benign is not then subjected to further curation. The score for this variant resulted in a classification of likely benign for this disease.